The following is an entry in ClinVar:

NM_006904.7(PRKDC):c.6308A>T (p.His2103Leu)

Gene: PRKDC (protein kinase, DNA-activated, catalytic subunit; minus strand). Cytogenetic location: 8q11.21.
Variant type: single nucleotide variant.
Coding change: c.6308A>T on transcript NM_006904.7 (MANE Select); coding-DNA position 6308, A replaced by T.
Protein change: p.His2103Leu; replaces histidine 2103 with leucine.
Molecular consequence: missense variant.
Genome position (GRCh38, 1-based): chr8:47,858,886, T>A on the plus strand (A>T on the coding strand, the complement: PRKDC is on the minus strand). VCF-style: chr8-47858886-T-A. GRCh37 (hg19) VCF-style: chr8-48771447-T-A.
Other names: c.6308A>T, p.His2103Leu (NM_001081640.2); short protein forms H2103L.
Identifiers: ClinVar variation 1408620 (VCV001408620.6), dbSNP rs2154500555, ClinGen allele CA371160889.

ClinVar aggregate classification (germline): Uncertain significance (1 of 4 stars; one submission).

Conditions:
Severe combined immunodeficiency due to DNA-PKcs deficiency. Also called: IMMUNODEFICIENCY 26 WITH NEUROLOGIC ABNORMALITIES; Immunodeficiency 26 with or without neurologic abnormalities. Identifiers: Orphanet 317425, MedGen C4014833, MONDO:0014423, OMIM 615966.

Submission:

Labcorp Genetics (formerly Invitae), Labcorp
Classification: Uncertain significance for Severe combined immunodeficiency due to DNA-PKcs deficiency. Last evaluated: 2022-07-06. Review status: criteria provided, single submitter. Criteria: Invitae Variant Classification Sherloc (09022015). Collection method: clinical testing. Allele origin: germline.
Comment: Experimental studies and prediction algorithms are not available or were not evaluated, and the functional significance of this variant is currently unknown. In summary, the available evidence is currently insufficient to determine the role of this variant in disease. Therefore, it has been classified as a Variant of Uncertain Significance. This sequence change replaces histidine with leucine at codon 2103 of the PRKDC protein (p.His2103Leu). The histidine residue is highly conserved and there is a moderate physicochemical difference between histidine and leucine. ClinVar contains an entry for this variant (Variation ID: 1408620). This variant has not been reported in the literature in individuals affected with PRKDC-related conditions. This variant is not present in population databases (gnomAD no frequency).